The following is an entry in ClinVar:

NM_003611.3(OFD1):c.358A>G (p.Thr120Ala)

Gene: OFD1 (OFD1 centriole and centriolar satellite protein; plus strand). Cytogenetic location: Xp22.2.
Variant type: single nucleotide variant.
Coding change: c.358A>G on transcript NM_003611.3 (MANE Select); coding-DNA position 358, A replaced by G.
Protein change: p.Thr120Ala; replaces threonine 120 with alanine.
Molecular consequence: missense variant. On other transcripts: 5 prime UTR variant (1).
Genome position (GRCh38, 1-based): chrX:13,738,891, A>G. VCF-style: chrX-13738891-A-G. GRCh37 (hg19) VCF-style: chrX-13757010-A-G.
Other names: c.358A>G, p.Thr120Ala (NM_001330209.2); c.-188A>G (NM_001330210.2); short protein forms T120A.
Identifiers: ClinVar variation 2930162 (VCV002930162.4), dbSNP rs755625951, ClinGen allele CA10351579.

ClinVar aggregate classification (germline): Uncertain significance. Review status: criteria provided, multiple submitters, no conflicts (2 of 4 stars). 2 submissions from 2 submitters: Uncertain significance (2). Last evaluated 2024-07-23.

Conditions:
Joubert syndrome. Also called: CEREBELLOPARENCHYMAL DISORDER IV; JOUBERT-BOLTSHAUSER SYNDROME; Familial aplasia of the vermis. Identifiers: Orphanet 475, MedGen C5979921, MONDO:0018772.
Orofaciodigital syndrome I (OFD1). Also called: OFDS I; Papillon-Leage and Psaume Syndrome; Oral-Facial-Digital Syndrome Type I. Identifiers: Orphanet 2750, MedGen C1510460, MONDO:0010702, OMIM 311200.
Simpson-Golabi-Behmel syndrome type 2. Identifiers: Orphanet 79022, MedGen C1846175, MONDO:0010265, OMIM 300209.
Joubert syndrome 10 (JBTS10). Identifiers: Orphanet 2754, MedGen C2749019, MONDO:0010431, OMIM 300804.
Retinitis pigmentosa 23 (RP23). Identifiers: Orphanet 791, MedGen C1419610, MONDO:0010320, OMIM 300424.

Allele frequency attached by ClinVar (database versions not stated): ExAC 0.00001; gnomAD 0.00001; gnomAD exomes 0.00001; TOPMed 0.00001.
gnomAD v4.1: 12 of 1,192,054 alleles (0.001%); highest among the groups gnomAD compares: East Asian, 0.015%; no homozygotes.

Submissions (2):

Labcorp Genetics (formerly Invitae), Labcorp
Classification: Uncertain significance for Orofaciodigital syndrome I; Joubert syndrome. Last evaluated: 2024-07-23. Review status: criteria provided, single submitter. Criteria: Invitae Variant Classification Sherloc (09022015). Collection method: clinical testing. Allele origin: germline.
Comment: This sequence change replaces threonine, which is neutral and polar, with alanine, which is neutral and non-polar, at codon 120 of the OFD1 protein (p.Thr120Ala). This variant is present in population databases (rs755625951, gnomAD 0.02%). This missense change has been observed in individual(s) with retinitis pigmentosa (PMID: 29843741). Advanced modeling of protein sequence and biophysical properties (such as structural, functional, and spatial information, amino acid conservation, physicochemical variation, residue mobility, and thermodynamic stability) performed at Invitae indicates that this missense variant is not expected to disrupt OFD1 protein function with a negative predictive value of 80%. In summary, the available evidence is currently insufficient to determine the role of this variant in disease. Therefore, it has been classified as a Variant of Uncertain Significance.

Fulgent Genetics
Classification: Uncertain significance for Simpson-Golabi-Behmel syndrome type 2; Retinitis pigmentosa 23; Joubert syndrome 10; Orofaciodigital syndrome I. Last evaluated: 2024-05-10. Review status: criteria provided, single submitter. Criteria: ACMG Guidelines, 2015. Collection method: clinical testing. Allele origin: germline.

Literature cited by the submitters: PubMed 29843741 (cited by Labcorp Genetics (formerly Invitae), Labcorp).